The following is an entry in ClinVar:

NM_001321075.3(DLG4):c.1976+1G>A

Gene: DLG4 (discs large MAGUK scaffold protein 4; minus strand). Cytogenetic location: 17p13.1.
Variant type: single nucleotide variant.
Coding change: c.1976+1G>A on transcript NM_001321075.3 (MANE Select); the canonical splice donor site of the intron after coding-DNA position 1976, G replaced by A.
Molecular consequence: splice donor variant.
Genome position (GRCh38, 1-based): chr17:7,191,892, C>T on the plus strand (G>A on the coding strand, the complement: DLG4 is on the minus strand). VCF-style: chr17-7191892-C-T. GRCh37 (hg19) VCF-style: chr17-7095211-C-T.
Other names: c.2105+1G>A (NM_001365.5); c.1967+1G>A (NM_001128827.4); c.1895+1G>A (NM_001369566.3); c.1796+1G>A (NM_001321077.3, NM_001321076.3); c.2096+1G>A (NM_001321074.1).
Identifiers: ClinVar variation 4886400 (VCV004886400.2).

ClinVar aggregate classification (germline): Likely pathogenic (1 of 4 stars; one submission).

Submission:

Dasa
Classification: Likely pathogenic. Last evaluated: 2024-11-30. Review status: criteria provided, single submitter. Criteria: DASA Assertion Criteria. Collection method: clinical testing. Allele origin: germline.
Comment: NM_001321075.3(DLG4):c.1976+1G>A affects a canonical splice site and is predicted to disrupt normal RNA splicing. Loss of function is an established disease mechanism for DLG4 (PMID: 33597769). Also, this variant is absent from population databases. Based on the currently available evidence, this variant is classified as likely pathogenic.

Literature cited by the submitters: PubMed 33597769.